The following is an entry in ClinVar:

ClinVar aggregate classification (germline): Likely benign (1 of 4 stars; one submission).

Submission:

CeGaT Center for Human Genetics Tuebingen
Classification: Likely benign. Last evaluated: 2026-02-01. Review status: criteria provided, single submitter. Criteria: CeGaT Center For Human Genetics Tuebingen Variant Classification Criteria Version 2. Collection method: clinical testing. Allele origin: germline. Affected: yes. Observed: 1 variant allele.
Comment: KCNQ1OT1: BP4

NM_000218.3(KCNQ1):c.1514+19707_1514+19710dup

Genes: KCNQ1 (potassium voltage-gated channel subfamily Q member 1; plus strand), KCNQ1OT1 (KCNQ1 opposite strand/antisense transcript 1; minus strand). Cytogenetic location: 11p15.5.
Variant type: Duplication.
Coding change: c.1514+19707_1514+19710dup on transcript NM_000218.3 (MANE Select); bases 19707 to 19710 of the intron after coding-DNA position 1514, 4 bases duplicated (GGGT; older notation c.1514+19707_1514+19710dupGGGT).
Molecular consequence: intron variant. On other transcripts: non-coding transcript variant (1).
Genome position (GRCh38, 1-based): chr11:2,681,788-2,681,791, GGGT duplicated; duplicating any 4 consecutive bases within chr11:2,681,787-2,681,791 gives the same sequence; the c. name uses the placement nearest the transcript's 3' end. VCF-style (leftmost placement, unchanged base first): chr11-2681786-A-ATGGG. GRCh37 (hg19) VCF-style: chr11-2703016-A-ATGGG.
Other names: c.1244+19707_1244+19710dup (NM_001406837.1); c.1418+19707_1418+19710dup (NM_001406836.1); c.974+19707_974+19710dup (NM_001406838.1); c.1133+19707_1133+19710dup (NM_181798.2).
Identifiers: ClinVar variation 4822761 (VCV004822761.4).